The following is an entry in ClinVar:

ClinVar aggregate classification (germline): Conflicting classifications of pathogenicity. Review status: criteria provided, conflicting classifications (1 of 4 stars). 7 submissions from 6 submitters: Uncertain significance (5); Benign (1); Likely benign (1). Last evaluated 2025-09-23.

Conditions:
Autosomal recessive ataxia, Beauce type. Also called: Spinocerebellar ataxia, autosomal recessive 8; ATAXIA, RECESSIVE, OF BEAUCE; SYNE1 Deficiency; SYNE1-Related Autosomal Recessive Cerebellar Ataxia. Identifiers: Orphanet 88644, MedGen C1853116, MONDO:0012549, OMIM 610743.
Emery-Dreifuss muscular dystrophy 4, autosomal dominant (EDMD4). Also called: EMERY-DREIFUSS MUSCULAR DYSTROPHY 4 WITH VARIABLE FEATURES. Identifiers: Orphanet 261, MedGen C2751807, MONDO:0013071, OMIM 612998.

Allele frequency attached by ClinVar (database versions not stated): gnomAD exomes 0.00004 and 0.00008; ExAC 0.00012; ESP Exome Variant Server 0.00038; gnomAD 0.00046 and 0.00052; 1000 Genomes Project 30x 0.00047; TOPMed 0.00057; 1000 Genomes Project 0.00060.
gnomAD v4.1: 144 of 1,614,150 alleles (0.0089%); highest among the groups gnomAD compares: African/African-American, 0.17%; no homozygotes.

Submissions (7):

Labcorp Genetics (formerly Invitae), Labcorp
Classification: Uncertain significance for Emery-Dreifuss muscular dystrophy 4, autosomal dominant; Autosomal recessive ataxia, Beauce type. Last evaluated: 2025-09-23. Review status: criteria provided, single submitter. Criteria: Invitae Variant Classification Sherloc (09022015). Collection method: clinical testing. Allele origin: germline.
Comment: This sequence change replaces glutamine, which is neutral and polar, with lysine, which is basic and polar, at codon 1716 of the SYNE1 protein (p.Gln1716Lys). This variant is present in population databases (rs140005424, gnomAD 0.2%). This variant has not been reported in the literature in individuals affected with SYNE1-related conditions. ClinVar contains an entry for this variant (Variation ID: 286235). An algorithm developed to predict the effect of missense changes on protein structure and function (PolyPhen-2) suggests that this variant is likely to be tolerated. In summary, the available evidence is currently insufficient to determine the role of this variant in disease. Therefore, it has been classified as a Variant of Uncertain Significance.

Revvity Omics, Revvity
Classification: Uncertain significance. Last evaluated: 2024-09-04. Review status: criteria provided, single submitter. Criteria: ACMG Guidelines, 2015. Collection method: clinical testing. Allele origin: germline.

Athena Diagnostics
Classification: Likely benign. Last evaluated: 2020-07-02. Review status: criteria provided, single submitter. Criteria: Athena Diagnostics Criteria. Collection method: clinical testing. Allele origin: unknown.

Mayo Clinic Laboratories, Mayo Clinic
Classification: Uncertain significance. Last evaluated: 2020-04-14. Review status: criteria provided, single submitter. Criteria: ACMG Guidelines, 2015. Collection method: clinical testing. Allele origin: germline. Observed: 1 variant allele.

Illumina Laboratory Services, Illumina
Classification: Benign for Emery-Dreifuss muscular dystrophy 4, autosomal dominant. Last evaluated: 2018-01-13. Review status: criteria provided, single submitter. Criteria: ICSL Variant Classification Criteria 13 December 2019. Collection method: clinical testing. Allele origin: germline.
Comment: This variant was observed in the ICSL laboratory as part of a predisposition screen in an ostensibly healthy population. It had not been previously curated by ICSL or reported in the Human Gene Mutation Database (HGMD: prior to June 1st, 2018), and was therefore a candidate for classification through an automated scoring system. Utilizing variant allele frequency, disease prevalence and penetrance estimates, and inheritance mode, an automated score was calculated to assess if this variant is too frequent to cause the disease. Based on the score and internal cut-off values, a variant classified as benign is not then subjected to further curation. The score for this variant resulted in a classification of benign for this disease.

Illumina Laboratory Services, Illumina
Classification: Uncertain significance for Autosomal recessive ataxia, Beauce type. Last evaluated: 2018-01-13. Review status: criteria provided, single submitter. Criteria: ICSL Variant Classification Criteria 13 December 2019. Collection method: clinical testing. Allele origin: germline.

Eurofins Ntd Llc (ga)
Classification: Uncertain significance. Last evaluated: 2016-02-25. Review status: criteria provided, single submitter. Criteria: EGL Classification Definitions 2015. Collection method: clinical testing. Allele origin: germline. Observed: 2 variant alleles, 2 heterozygotes.

NM_182961.4(SYNE1):c.5125C>A (p.Gln1709Lys)

Gene: SYNE1 (spectrin repeat containing nuclear envelope protein 1; minus strand). Cytogenetic location: 6q25.2.
Variant type: single nucleotide variant.
Coding change: c.5125C>A on transcript NM_182961.4 (MANE Select); coding-DNA position 5125, C replaced by A.
Protein change: p.Gln1709Lys; replaces glutamine 1709 with lysine.
Molecular consequence: missense variant.
Genome position (GRCh38, 1-based): chr6:152,425,523, G>T on the plus strand (C>A on the coding strand, the complement: SYNE1 is on the minus strand). VCF-style: chr6-152425523-G-T. GRCh37 (hg19) VCF-style: chr6-152746658-G-T.
Other names: c.5146C>A, p.Gln1716Lys (NM_033071.5); short protein forms Q1716K, Q1709K.
Identifiers: ClinVar variation 286235 (VCV000286235.25), dbSNP rs140005424, ClinGen allele CA4058353.